The following is an entry in ClinVar:

NM_003060.4(SLC22A5):c.1319C>T (p.Thr440Met)

Gene: SLC22A5 (solute carrier family 22 member 5; plus strand). Cytogenetic location: 5q31.1.
Variant type: single nucleotide variant.
Coding change: c.1319C>T on transcript NM_003060.4 (MANE Select); coding-DNA position 1319, C replaced by T.
Protein change: p.Thr440Met; replaces threonine 440 with methionine.
Molecular consequence: missense variant.
Genome position (GRCh38, 1-based): chr5:132,392,484, C>T. VCF-style: chr5-132392484-C-T. GRCh37 (hg19) VCF-style: chr5-131728176-C-T.
Other names: c.1391C>T, p.Thr464Met (NM_001308122.2); short protein forms T464M.
Identifiers: ClinVar variation 25416 (VCV000025416.49), dbSNP rs72552732, ClinGen allele CA342675.

ClinVar aggregate classification (germline): Pathogenic. Review status: criteria provided, multiple submitters, no conflicts (2 of 4 stars). 17 submissions from 17 submitters: Pathogenic (15). 2 of the submissions do not count toward it. Last evaluated 2026-01-17.

Conditions:
SLC22A5-related disorder. Also called: SLC22A5-related condition.
Decreased circulating carnitine concentration. Also called: Decreased plasma carnitine. Identifiers: MedGen C5848230, HP:0003234.
Inborn genetic diseases. Identifiers: MedGen C0950123, MeSH D030342.
Renal carnitine transport defect (CDSP). Also called: CARNITINE DEFICIENCY, SYSTEMIC, DUE TO DEFECT IN RENAL REABSORPTION OF CARNITINE; CARNITINE TRANSPORTER, PLASMA-MEMBRANE, DEFICIENCY OF; CARNITINE UPTAKE DEFECT; Primary carnitine deficiency; Carnitine transporter deficiency; Systemic primary carnitine deficiency disease. Identifiers: Orphanet 158, MedGen C0342788, MONDO:0008919, OMIM 212140.

Allele frequency attached by ClinVar (database versions not stated): gnomAD exomes 0.00001; TOPMed 0.00003; ExAC 0.00002; gnomAD 0.00004.

Submissions 1 to 12 of 17:

Labcorp Genetics (formerly Invitae), Labcorp
Classification: Pathogenic for Renal carnitine transport defect. Last evaluated: 2026-01-17. Review status: criteria provided, single submitter. Criteria: Invitae Variant Classification Sherloc (09022015). Collection method: clinical testing. Allele origin: germline.
Comment: This sequence change replaces threonine, which is neutral and polar, with methionine, which is neutral and non-polar, at codon 440 of the SLC22A5 protein (p.Thr440Met). This variant is present in population databases (rs72552732, gnomAD 0.003%). This missense change has been observed in individuals with primary carnitine deficiency (PMID: 12210323, 16652335, 16830263, 20574985, 21922592, 24997454). This variant is also known as c.1540C>T. ClinVar contains an entry for this variant (Variation ID: 25416). Invitae Evidence Modeling of protein sequence and biophysical properties (such as structural, functional, and spatial information, amino acid conservation, physicochemical variation, residue mobility, and thermodynamic stability) indicates that this missense variant is expected to disrupt SLC22A5 protein function with a positive predictive value of 95%. Experimental studies have shown that this missense change affects SLC22A5 function (PMID: 12210323, 21922592). For these reasons, this variant has been classified as Pathogenic.

Fulgent Genetics
Classification: Pathogenic for Renal carnitine transport defect. Last evaluated: 2024-05-02. Review status: criteria provided, single submitter. Criteria: ACMG Guidelines, 2015. Collection method: clinical testing. Allele origin: germline.

Mayo Clinic Laboratories, Mayo Clinic
Classification: Pathogenic. Last evaluated: 2024-05-02. Review status: criteria provided, single submitter. Criteria: ACMG Guidelines, 2015. Collection method: clinical testing. Allele origin: germline. Observed: 1 variant allele.
Comment: PP1, PP3, PP4, PM2, PM3, PS3, PS4

Laboratory of Medical Genetics, National & Kapodistrian University of Athens
Classification: Pathogenic for Renal carnitine transport defect. Last evaluated: 2023-05-22. Review status: criteria provided, single submitter. Criteria: ACMG Guidelines, 2015. Collection method: clinical testing. Allele origin: germline. Affected: yes.
Comment: PM1, PM2, PP2, PP3, PP5

Blueprint Genetics
Classification: Pathogenic for SLC22A5-related disorders. Last evaluated: 2022-06-14. Review status: criteria provided, single submitter. Criteria: ACMG Guidelines, 2015. Collection method: clinical testing. Allele origin: germline. Affected: yes. Observed: 3 variant alleles.

Genome-Nilou Lab
Classification: Pathogenic for Renal carnitine transport defect. Last evaluated: 2021-07-15. Review status: criteria provided, single submitter. Criteria: ACMG Guidelines, 2015. Collection method: clinical testing. Allele origin: germline. Affected: no.

Women's Health and Genetics/Laboratory Corporation of America, LabCorp
Classification: Pathogenic for Renal carnitine transport defect. Last evaluated: 2021-01-20. Review status: criteria provided, single submitter. Criteria: LabCorp Variant Classification Summary - May 2015. Collection method: clinical testing. Allele origin: germline.
Comment: Variant summary: SLC22A5 c.1319C>T (p.Thr440Met) results in a non-conservative amino acid change located in the Major facilitator superfamily domain (IPR020846) of the encoded protein sequence. Five of five in-silico tools predict a damaging effect of the variant on protein function. The variant allele was found at a frequency of 1.2e-05 in 251494 control chromosomes. c.1319C>T has been widely reported in the literature in multiple individuals affected with Systemic Primary Carnitine Deficiency and has been subsequently cited by others (example, Lamhonwah_2002, Wattanasirichaigoon_2006, Amat_2006, Rose_2012, Li_2010, Angelini_2015). These data indicate that the variant is very likely to be associated with disease. At least one publication reports experimental evidence evaluating an impact on protein function (example, Lamhonwah_2002). The most pronounced variant effect results in <10% of normal carnitine uptake in skin fibroblasts from a homozygous affected individual. Six clinical diagnostic laboratories have submitted clinical-significance assessments for this variant to ClinVar after 2014 without evidence for independent evaluation. All laboratories classified the variant as pathogenic. Based on the evidence outlined above, the variant was classified as pathogenic.

GeneDx
Classification: Pathogenic. Last evaluated: 2020-02-28. Review status: criteria provided, single submitter. Criteria: GeneDx Variant Classification Process June 2021. Collection method: clinical testing. Allele origin: germline. Affected: yes.
Comment: Published functional studies in CHO cells demonstrate a damaging effect on carnitine transport activity (Frigeni et al., 2017); Not observed at a significant frequency in large population cohorts (Lek et al., 2016); In silico analysis supports that this missense variant has a deleterious effect on protein structure/function; This variant is associated with the following publications: (PMID: 27807682, 29790872, 16865412, 12210323, 16830263, 20574985, 16652335, 24997454, 28841266, 23379544, 21922592, 16602102, 32276632)

Revvity Omics, Revvity
Classification: Pathogenic for Renal carnitine transport defect. Last evaluated: 2019-01-09. Review status: criteria provided, single submitter. Criteria: ACMG Guidelines, 2015. Collection method: clinical testing. Allele origin: germline.

ARUP Laboratories, Molecular Genetics and Genomics, ARUP Laboratories
Classification: Pathogenic for Renal carnitine transport defect. Last evaluated: 2018-07-18. Review status: criteria provided, single submitter. Criteria: ARUP Molecular Germline Variant Investigation Process. Collection method: clinical testing. Allele origin: germline.
Comment: The SLC22A5 c.1319C>T; p.Thr440Met variant (rs72552732), is reported in the literature in a homozygous or compound heterozygous state in multiple individuals affected with primary carnitine deficiency (Angelini 2015, Frigeni 2017, Lamhonwah 2002, Li 2010, Thompson 2018, Wattanasirichaigoon 2006) and cardiomyopathy (Papadopoulou-Legbelou 2017). This variant is reported as pathogenic/likely pathogenic by multiple laboratories in ClinVar (Variation ID: 25416), and is found in the non-Finnish European population with an overall allele frequency of 0.0027% (3/111718 alleles) in the Genome Aggregation Database. Functional analyses of the variant protein shows impaired carntitine transport (Amat di San Filippo 2006). The threonine at codon 440 is highly conserved, and computational analyses (SIFT, PolyPhen-2) predict that this variant is deleterious. Based on available information, this variant is considered to be pathogenic. References: Amat di San Filippo C et al. Pharmacological rescue of carnitine transport in primary carnitine deficiency. Hum Mutat. 2006 Jun;27(6):513-23. Angelini C et al. Spectrum of metabolic myopathies. Biochim Biophys Acta. 2015 Apr;1852(4):615-21. Frigeni M et al. Functional and molecular studies in primary carnitine deficiency. Hum Mutat. 2017 Dec;38(12):1684-1699. Lamhonwah AM et al. Novel OCTN2 mutations: no genotype-phenotype correlations: early carnitine therapy prevents cardiomyopathy. Am J Med Genet. 2002 Aug 15;111(3):271-84. Li FY et al. Molecular spectrum of SLC22A5 (OCTN2) gene mutations detected in 143 subjects evaluated for systemic carnitine deficiency. Hum Mutat. 2010 Aug;31(8):E1632-51. Papadopoulou-Legbelou K et al. Dilated Cardiomyopathy as the Only Clinical Manifestation of Carnitine Transporter Deficiency. Indian J Pediatr. 2017 Mar;84(3):231-233. Thompson ML et al. Genomic sequencing identifies secondary findings in a cohort of parent study participants. Genet Med. 2018 Apr 12. doi: 10.1038/gim.2018.53. (Epub ahead of print) Wattanasirichaigoon D et al. Pericardial effusion in primary systemic carnitine deficiency. J Inherit Metab Dis. 2006 Aug;29(4):589.

Genomic Research Center, Shahid Beheshti University of Medical Sciences
Classification: Pathogenic for Renal carnitine transport defect. Last evaluated: 2017-12-18. Review status: criteria provided, single submitter. Criteria: ACMG Guidelines, 2015. Collection method: clinical testing. Allele origin: inherited. Affected: yes.

Illumina Laboratory Services, Illumina
Classification: Pathogenic for Renal carnitine transport defect. Last evaluated: 2017-04-28. Review status: criteria provided, single submitter. Criteria: ICSL Variant Classification Criteria 09 May 2019. Collection method: clinical testing. Allele origin: germline.
Comment: Across a selection of the literature, the SLC22A5 c.1319C>T (p.Thr440Met) missense variant has been reported in ten individuals with systemic primary carnitine deficiency, including in one in a homozygous state, in eight in a compound heterozygous state, and in one in a heterozygous state (Lamhonwah et al. 2002; Amat di San Filippo et al. 2006; Li et al. 2010). The variant is also found in three unaffected heterozygotes. The p.Thr440Met variant is reported at a frequency of 0.00003 in the European (non-Finnish) population of the Exome Aggregation Consortium based on two alleles in an area of good coverage, so the variant is presumed to be rare. Functional studies performed on cultured patient skin fibroblasts and in CHO cells were performed to evaluate carnitine uptake and transport levels compared to wildtype. The p.Thr440Met variant was found to have carnitine transport level that was less than 10% of wildtype (Amat di San Filippo et al. 2006). Lamhonwah et al. (2002) reported that the carnitine uptake values ranged from 2.8% in a patient homozygous for the variant to 20% in a compound heterozygote, in comparison to controls. Based on the collective evidence, the p.Thr440Met variant is classified as pathogenic for systemic primary carnitine deficiency. This variant was observed by ICSL as part of a predisposition screen in an ostensibly healthy population.